The following is an entry in ClinVar:

ClinVar aggregate classification (germline): Pathogenic (1 of 4 stars; one submission).

Conditions:
Neurofibromatosis, type 1 (NF1). Also called: NEUROFIBROMATOSIS, TYPE I, SOMATIC; VON RECKLINGHAUSEN DISEASE; Peripheral type neurofibromatosis; Neurofibromatosis, type I. Identifiers: Orphanet 636, MedGen C0027831, MONDO:0018975, OMIM 162200. Disease mechanism: loss of function.

Submission:

Labcorp Genetics (formerly Invitae), Labcorp
Classification: Pathogenic for Neurofibromatosis, type 1. Last evaluated: 2021-11-27. Review status: criteria provided, single submitter. Criteria: Invitae Variant Classification Sherloc (09022015). Collection method: clinical testing. Allele origin: germline.
Comment: For these reasons, this variant has been classified as Pathogenic. This variant has not been reported in the literature in individuals affected with NF1-related conditions. This variant is not present in population databases (gnomAD no frequency). This sequence change creates a premature translational stop signal (p.Ser1118Metfs*24) in the NF1 gene. It is expected to result in an absent or disrupted protein product. Loss-of-function variants in NF1 are known to be pathogenic (PMID: 10712197, 23913538).

Literature cited by the submitters: PubMed 10712197; PubMed 23913538.

NM_001042492.3(NF1):c.3353del (p.Ser1118fs)

Gene: NF1 (neurofibromin 1; plus strand). Cytogenetic location: 17q11.2.
Variant type: Deletion.
Coding change: c.3353del on transcript NM_001042492.3 (MANE Select); coding-DNA position 3353, one base deleted (G; older notation c.3353delG).
Protein change: p.Ser1118fs; shifts the reading frame from serine 1118.
Molecular consequence: frameshift variant.
Genome position (GRCh38, 1-based): chr17:31,232,738, G deleted. VCF-style (leftmost placement, unchanged base first): chr17-31232737-AG-A. GRCh37 (hg19) VCF-style: chr17-29559755-AG-A.
Other names: c.3353delG, p.Ser1118Metfs (NM_000267.4); short protein forms S1118fs.
Identifiers: ClinVar variation 1452331 (VCV001452331.6), dbSNP rs2151434527, ClinGen allele CA2573153344.